The following is an entry in ClinVar:

ClinVar aggregate classification (germline): Uncertain significance (1 of 4 stars; one submission).

Submission:

Labcorp Genetics (formerly Invitae), Labcorp
Classification: Uncertain significance. Last evaluated: 2026-01-15. Review status: criteria provided, single submitter. Criteria: Invitae Variant Classification Sherloc (09022015). Collection method: clinical testing. Allele origin: germline.
Comment: This sequence change replaces lysine, which is basic and polar, with arginine, which is basic and polar, at codon 1508 of the NIN protein (p.Lys1508Arg). This variant is not present in population databases (gnomAD no frequency). This variant has not been reported in the literature in individuals affected with NIN-related conditions. ClinVar contains an entry for this variant (Variation ID: 3007027). An algorithm developed to predict the effect of missense changes on protein structure and function (PolyPhen-2) suggests that this variant is likely to be disruptive. In summary, the available evidence is currently insufficient to determine the role of this variant in disease. Therefore, it has been classified as a Variant of Uncertain Significance.

NM_020921.4(NIN):c.4523A>G (p.Lys1508Arg)

Gene: NIN (ninein; minus strand). Cytogenetic location: 14q22.1.
Variant type: single nucleotide variant.
Coding change: c.4523A>G on transcript NM_020921.4 (MANE Select); coding-DNA position 4523, A replaced by G.
Protein change: p.Lys1508Arg; replaces lysine 1508 with arginine.
Molecular consequence: missense variant. On other transcripts: intron variant (1).
Genome position (GRCh38, 1-based): chr14:50,756,507, T>C on the plus strand (A>G on the coding strand, the complement: NIN is on the minus strand). VCF-style: chr14-50756507-T-C. GRCh37 (hg19) VCF-style: chr14-51223225-T-C.
Other names: c.4523A>G, p.Lys1508Arg (NM_182944.3, NM_182946.2); c.2400-1640A>G (NM_016350.5); short protein forms K1508R.
Identifiers: ClinVar variation 3007027 (VCV003007027.3), dbSNP rs2505788988, ClinGen allele CA389692253.